The following is an entry in ClinVar:

NM_139343.3(BIN1):c.430G>A (p.Gly144Arg)

Gene: BIN1 (bridging integrator 1; minus strand). Cytogenetic location: 2q14.3.
Variant type: single nucleotide variant.
Coding change: c.430G>A on transcript NM_139343.3 (MANE Select); coding-DNA position 430, G replaced by A.
Protein change: p.Gly144Arg; replaces glycine 144 with arginine.
Molecular consequence: missense variant.
Genome position (GRCh38, 1-based): chr2:127,069,013, C>T on the plus strand (G>A on the coding strand, the complement: BIN1 is on the minus strand). VCF-style: chr2-127069013-C-T. GRCh37 (hg19) VCF-style: chr2-127826589-C-T.
Other names: c.430G>A, p.Gly144Arg (NM_001320632.2, NM_001320633.2, NM_001320640.2 and 10 more transcripts); c.358G>A, p.Gly120Arg (NM_001320634.1); c.349G>A, p.Gly117Arg (NM_001320642.1); short protein forms G117R, G120R, G144R.
Identifiers: ClinVar variation 1015829 (VCV001015829.8), dbSNP rs1685516968, ClinGen allele CA348367997.

ClinVar aggregate classification (germline): Uncertain significance (1 of 4 stars; one submission).

Conditions:
Myopathy, centronuclear, 2 (CNM2). Also called: MYOTUBULAR MYOPATHY, AUTOSOMAL RECESSIVE. Identifiers: Orphanet 169186, MedGen CN031787, MONDO:0009709, OMIM 255200.

Submission:

Labcorp Genetics (formerly Invitae), Labcorp
Classification: Uncertain significance for Myopathy, centronuclear, 2. Last evaluated: 2020-08-31. Review status: criteria provided, single submitter. Criteria: Invitae Variant Classification Sherloc (09022015). Collection method: clinical testing. Allele origin: germline.
Comment: In summary, the available evidence is currently insufficient to determine the role of this variant in disease. Therefore, it has been classified as a Variant of Uncertain Significance. Algorithms developed to predict the effect of missense changes on protein structure and function are either unavailable or do not agree on the potential impact of this missense change (SIFT: "Deleterious"; PolyPhen-2: "Probably Damaging"; Align-GVGD: "Class C0"). This variant has not been reported in the literature in individuals with BIN1-related conditions. This variant is not present in population databases (ExAC no frequency). This sequence change replaces glycine with arginine at codon 144 of the BIN1 protein (p.Gly144Arg). The glycine residue is highly conserved and there is a moderate physicochemical difference between glycine and arginine.